The following is an entry in ClinVar:

ClinVar aggregate classification (germline): Pathogenic/Likely pathogenic. Review status: criteria provided, multiple submitters, no conflicts (2 of 4 stars). 4 submissions from 4 submitters: Pathogenic (2); Likely pathogenic (1). 1 of the submissions does not count toward it. Last evaluated 2024-09-19.

Conditions:
Early-infantile DEE. Also called: Early infantile epileptic encephalopathy; Early infantile epileptic encephalopathy with suppression bursts; Ohtahara syndrome. Identifiers: Orphanet 1934, MedGen C0393706, MONDO:0800491.
Severe myoclonic epilepsy in infancy (DRVT). Also called: SEVERE MYOCLONIC EPILEPSY OF INFANCY; DEVELOPMENTAL AND EPILEPTIC ENCEPHALOPATHY 6A; Severe Myoclonic Epilepsy in Infancy (SMEI); Dravet syndrome; Epileptic encephalopathy, early infantile, 6 (Dravet syndrome). Identifiers: Orphanet 33069, MedGen C0751122, MONDO:0100135, OMIM 607208.

Submissions (4):

Labcorp Genetics (formerly Invitae), Labcorp
Classification: Likely pathogenic for Early-infantile DEE. Last evaluated: 2024-09-19. Review status: criteria provided, single submitter. Criteria: Invitae Variant Classification Sherloc (09022015). Collection method: clinical testing. Allele origin: germline.
Comment: This sequence change replaces cysteine, which is neutral and slightly polar, with arginine, which is basic and polar, at codon 1716 of the SCN1A protein (p.Cys1716Arg). This variant is not present in population databases (gnomAD no frequency). This missense change has been observed in individual(s) with autosomal dominant SCN1A-related conditions (PMID: 17561957). ClinVar contains an entry for this variant (Variation ID: 68565). Invitae Evidence Modeling of protein sequence and biophysical properties (such as structural, functional, and spatial information, amino acid conservation, physicochemical variation, residue mobility, and thermodynamic stability) indicates that this missense variant is expected to disrupt SCN1A protein function with a positive predictive value of 95%. In summary, the currently available evidence indicates that the variant is pathogenic, but additional data are needed to prove that conclusively. Therefore, this variant has been classified as Likely Pathogenic.

GeneDx
Classification: Pathogenic. Last evaluated: 2014-08-04. Review status: criteria provided, single submitter. Criteria: GeneDx Variant Classification (06012015). Collection method: clinical testing. Allele origin: germline. Affected: yes.
Comment: p.Cys1716Arg (TGC>CGC): c.5146 T>C in exon 26 of the SCN1A gene (NM_001165963.1) The C1716R missense mutation in the SCN1A gene has been reported as a de novo mutation in a patient with severe myoclonic epilepsy of infancy boarderline (SMEB) (Marini et al., 2007). This substitution occurs at a conserved position in the extracellular loop between the S5 and S6 transmembrane segments of the 4th homologous domain. It was not observed in approximately 6,500 individuals of European and African American ancestry in the NHLBI Exome Sequencing Project, indicating it is not a common benign variant in these populations. Therefore, based on the currently available information, C17176R is considered a disease-causing mutation. The variant is found in EPILEPSY panel(s).

Imagene.me medical diagnostic laboratory, IMAGENE.ME SA
Classification: Pathogenic for Severe myoclonic epilepsy in infancy. Review status: criteria provided, single submitter. Criteria: IMAGENE.ME Variant Classification SOP 2022. Collection method: clinical testing. Allele origin: de novo. Affected: yes.
Comment: Classified according to the IMAGENE.ME variant classification SOP based on the ACMG guidelines as Pathogenic (P): PS2 + PM2 + PM1 + PP3_Moderate + PP4_Moderate + PS4_Supporting + PP2 + PP5

UniProtKB/Swiss-Prot
No classification provided. Condition: Severe myoclonic epilepsy in infancy. Review status: no classification provided. Collection method: not provided. Allele origin: unknown. Not counted in ClinVar's aggregate classification.

Literature cited by the submitters: PubMed 17561957 (cited by Labcorp Genetics (formerly Invitae), Labcorp).

NM_001165963.4(SCN1A):c.5146T>C (p.Cys1716Arg)

Genes: SCN1A (sodium voltage-gated channel alpha subunit 1; minus strand), LOC102724058 (uncharacterized LOC102724058; plus strand). Cytogenetic location: 2q24.3.
Variant type: single nucleotide variant.
Coding change: c.5146T>C on transcript NM_001165963.4 (MANE Select); coding-DNA position 5146, T replaced by C.
Protein change: p.Cys1716Arg; replaces cysteine 1716 with arginine.
Molecular consequence: missense variant. On other transcripts: non-coding transcript variant (1).
Genome position (GRCh38, 1-based): chr2:165,992,129, A>G on the plus strand (T>C on the coding strand, the complement: SCN1A is on the minus strand). VCF-style: chr2-165992129-A-G. GRCh37 (hg19) VCF-style: chr2-166848639-A-G.
Other names: p.C1716R:TGC>CGC; c.5062T>C, p.Cys1688Arg (NM_001165964.3, NM_001353957.2, NM_001353958.2); c.5146T>C, p.Cys1716Arg (NM_001202435.3, NM_001353948.2); c.5113T>C, p.Cys1705Arg (NM_001353949.2, NM_001353950.2, NM_001353951.2 and 2 more transcripts); c.5110T>C, p.Cys1704Arg (NM_001353954.2, NM_001353955.2); c.5059T>C, p.Cys1687Arg (NM_001353960.2); c.2704T>C, p.Cys902Arg (NM_001353961.2); short protein forms C1705R, C1716R, C1704R, C902R, C1687R, C1688R.
Identifiers: ClinVar variation 68565 (VCV000068565.5), dbSNP rs121917926, ClinGen allele CA285006.
Genomic context (GRCh38, chr2:165,992,129, plus strand): 5'-TGTTGAGAATGGGTGCTAGCAATCCATCCCAGCCAGCAGAGGTTGTAATTTGGAATAGGC[A>G]GATCATGCTGTTGCCAAAGGTCTCAAAGTTGAACATGTCATCGATCCCAACTTCCCTCTT-3'
Protein context (NP_001159435.1, residues 1706-1726): NFETFGNSMI[Cys1716Arg]LFQITTSAGW